The following is an entry in ClinVar:

ClinVar aggregate classification (germline): Uncertain significance. Review status: criteria provided, multiple submitters, no conflicts (2 of 4 stars). 2 submissions from 2 submitters: Uncertain significance (2). Last evaluated 2025-09-20.

Conditions:
Supravalvar aortic stenosis (SVAS). Also called: Supravalvar aortic stenosis, Eisenberg type. Identifiers: Orphanet 3193, MedGen C0003499, MONDO:0008504, OMIM 185500, HP:0004381.

Allele frequency attached by ClinVar (database versions not stated): gnomAD exomes below 0.00001 and 0.00001; TOPMed below 0.00001; gnomAD 0.00001.
gnomAD v4.1: 9 of 1,614,024 alleles (0.00056%); highest among the groups gnomAD compares: Non-Finnish European, 0.00076%; no homozygotes.

Submissions (2):

Labcorp Genetics (formerly Invitae), Labcorp
Classification: Uncertain significance for Supravalvar aortic stenosis. Last evaluated: 2025-09-20. Review status: criteria provided, single submitter. Criteria: Invitae Variant Classification Sherloc (09022015). Collection method: clinical testing. Allele origin: germline.
Comment: This sequence change affects codon 657 of the ELN mRNA. It is a 'silent' change, meaning that it does not change the encoded amino acid sequence of the ELN protein. It affects a nucleotide within the consensus splice site. This variant is present in population databases (no rsID available, gnomAD 0.0009%). This variant has not been reported in the literature in individuals affected with ELN-related conditions. ClinVar contains an entry for this variant (Variation ID: 1679781). Algorithms developed to predict the effect of sequence changes on RNA splicing suggest that this variant is not likely to affect RNA splicing. In summary, the available evidence is currently insufficient to determine the role of this variant in disease. Therefore, it has been classified as a Variant of Uncertain Significance.

New York Genome Center
Classification: Uncertain significance for Supravalvar aortic stenosis. Last evaluated: 2021-04-16. Review status: criteria provided, single submitter. Criteria: NYGC Assertion Criteria 2020. Collection method: clinical testing. Allele origin: inherited. Observed: 1 heterozygote. Study: CSER-NYCKidSeq.
Comment: The inherited c.1785T>C (p.Tyr595=) variant identified in the ELN gene is a synonymous variant at amino acid 595/725 (exon 26/33). This variant is two nucleotides from the end of the exon, therefore while it does not change the amino acid sequence of the protein, it is possible that this variant may affect splicing fidelity. The c.1785T>C (p.Tyr595=) variant is found with low frequency in gnomAD(v3.1.1) (1 heterozygote, 0 homozygotes; allele frequency: 6.57e-6) suggesting it is not a common benign variant in the populations represented in that database. This variant is absent from ClinVar and to our current knowledge has not been reported in affected individuals in the literature. The p.Tyr595 residue is not within a mapped domain of ELN (UniProtKB:P15502). Given the lack of compelling evidence for its pathogenicity, the inherited c.1785T>C (p.Tyr595=) variant identified in the ELN gene is reported as a Variant of Uncertain Significance.

NM_000501.4(ELN):c.1785T>C (p.Tyr595=)

Genes: ELN-AS1 (ELN antisense RNA 1; minus strand), ELN (elastin; plus strand). Cytogenetic location: 7q11.23.
Variant type: single nucleotide variant.
Coding change: c.1785T>C on transcript NM_000501.4 (MANE Select); coding-DNA position 1785, T replaced by C.
Protein change: p.Tyr595=; no amino-acid change (tyrosine 595 retained).
Molecular consequence: synonymous variant.
Genome position (GRCh38, 1-based): chr7:74,061,138, T>C. VCF-style: chr7-74061138-T-C. GRCh37 (hg19) VCF-style: chr7-73475468-T-C.
Other names: c.1698T>C, p.Tyr566= (NM_001081752.3); c.1743T>C, p.Tyr581= (NM_001081753.3); c.1800T>C, p.Tyr600= (NM_001081754.3); c.1728T>C, p.Tyr576= (NM_001081755.3); c.1785T>C, p.Tyr595= (NM_001278912.2); c.1542T>C, p.Tyr514= (NM_001278913.2); c.1713T>C, p.Tyr571= (NM_001278914.2); c.1803T>C, p.Tyr601= (NM_001278915.2); and 4 more.
Identifiers: ClinVar variation 1679781 (VCV001679781.4), dbSNP rs727503033, ClinGen allele CA455886544.
Genomic context (GRCh38, chr7:74,061,138, plus strand): 5'-CCCCAACTTTTCTTTCTCCCCAGTACCTGGAGCCCTGGCTGCCGCTAAAGCAGCCAAATA[T>C]GGTGAGTGCACCCCACAACCACTTGTGGCTCCCTTGCCACCACACCATCCCTGACAGCAC-3'
Protein context (NP_000492.2, residues 585-605): GALAAAKAAK[Tyr595=]GAAVPGVLGG